The following is an entry in ClinVar:

NM_001243133.2(NLRP3):c.2854A>C (p.Thr952Pro)

Gene: NLRP3 (NLR family pyrin domain containing 3; plus strand). Cytogenetic location: 1q44.
Variant type: single nucleotide variant.
Coding change: c.2854A>C on transcript NM_001243133.2 (MANE Select); coding-DNA position 2854, A replaced by C.
Protein change: p.Thr952Pro; replaces threonine 952 with proline.
Molecular consequence: missense variant.
Genome position (GRCh38, 1-based): chr1:247,444,670, A>C. VCF-style: chr1-247444670-A-C. GRCh37 (hg19) VCF-style: chr1-247607972-A-C.
Other names: c.2854A>C, p.Thr952Pro (NM_001079821.3); c.2683A>C, p.Thr895Pro (NM_001127461.3, NM_001127462.3); c.2860A>C, p.Thr954Pro (NM_004895.5); c.2512A>C, p.Thr838Pro (NM_183395.3); short protein forms T838P, T895P, T952P, T954P.
Identifiers: ClinVar variation 1496471 (VCV001496471.8), dbSNP rs777657094, ClinGen allele CA1495379.

ClinVar aggregate classification (germline): Uncertain significance (1 of 4 stars; one submission).

Conditions:
Cryopyrin associated periodic syndrome (CAPS). Identifiers: Orphanet 208650, MedGen C2316212, MONDO:0016168.

Allele frequency attached by ClinVar (database versions not stated): gnomAD exomes below 0.00001; ExAC 0.00001; gnomAD 0.00001.
gnomAD v4.1: 1 of 1,613,840 alleles (0.000062%); highest among the groups gnomAD compares: African/African-American, 0.0013%; no homozygotes.

Submission:

Labcorp Genetics (formerly Invitae), Labcorp
Classification: Uncertain significance for Cryopyrin associated periodic syndrome. Last evaluated: 2024-12-09. Review status: criteria provided, single submitter. Criteria: Invitae Variant Classification Sherloc (09022015). Collection method: clinical testing. Allele origin: germline.
Comment: This sequence change replaces threonine, which is neutral and polar, with proline, which is neutral and non-polar, at codon 954 of the NLRP3 protein (p.Thr954Pro). This variant is present in population databases (rs777657094, gnomAD 0.007%). This variant has not been reported in the literature in individuals affected with NLRP3-related conditions. ClinVar contains an entry for this variant (Variation ID: 1496471). Invitae Evidence Modeling of protein sequence and biophysical properties (such as structural, functional, and spatial information, amino acid conservation, physicochemical variation, residue mobility, and thermodynamic stability) has been performed for this missense variant. However, the output from this modeling did not meet the statistical confidence thresholds required to predict the impact of this variant on NLRP3 protein function. In summary, the available evidence is currently insufficient to determine the role of this variant in disease. Therefore, it has been classified as a Variant of Uncertain Significance.